The following is an entry in ClinVar:

ClinVar aggregate classification (germline): Uncertain significance (1 of 4 stars; one submission).

Conditions:
RYR1-related disorder. Also called: RYR1-related condition; RYR1-related disorders. Identifiers: MedGen CN239331.

Allele frequency attached by ClinVar (database versions not stated): gnomAD exomes 0.00001; TOPMed 0.00006; gnomAD 0.00007.
gnomAD v4.1: 14 of 1,613,996 alleles (0.00087%); highest among the groups gnomAD compares: Admixed American, 0.022%; no homozygotes.

Submission:

Labcorp Genetics (formerly Invitae), Labcorp
Classification: Uncertain significance for RYR1-related disorder. Last evaluated: 2025-09-22. Review status: criteria provided, single submitter. Criteria: Invitae Variant Classification Sherloc (09022015). Collection method: clinical testing. Allele origin: germline.
Comment: This sequence change replaces glycine, which is neutral and non-polar, with valine, which is neutral and non-polar, at codon 3826 of the RYR1 protein (p.Gly3826Val). This variant is present in population databases (no rsID available, gnomAD 0.009%). This variant has not been reported in the literature in individuals affected with RYR1-related conditions. ClinVar contains an entry for this variant (Variation ID: 1434213). Invitae Evidence Modeling of protein sequence and biophysical properties (such as structural, functional, and spatial information, amino acid conservation, physicochemical variation, residue mobility, and thermodynamic stability) indicates that this missense variant is expected to disrupt RYR1 protein function with a positive predictive value of 80%. In summary, the available evidence is currently insufficient to determine the role of this variant in disease. Therefore, it has been classified as a Variant of Uncertain Significance.

NM_000540.3(RYR1):c.11477G>T (p.Gly3826Val)

Gene: RYR1 (ryanodine receptor 1; plus strand). Cytogenetic location: 19q13.2.
Variant type: single nucleotide variant.
Coding change: c.11477G>T on transcript NM_000540.3 (MANE Select); coding-DNA position 11477, G replaced by T.
Protein change: p.Gly3826Val; replaces glycine 3826 with valine.
Molecular consequence: missense variant.
Genome position (GRCh38, 1-based): chr19:38,535,353, G>T. VCF-style: chr19-38535353-G-T. GRCh37 (hg19) VCF-style: chr19-39025993-G-T.
Other names: c.11462G>T, p.Gly3821Val (NM_001042723.2); short protein forms G3826V, G3821V.
Identifiers: ClinVar variation 1434213 (VCV001434213.8), dbSNP rs1393018982, ClinGen allele CA405655950.
Genomic context (GRCh38, chr19:38,535,353, plus strand): 5'-CTCCCCTGCCTCGCCCTCTGCAGAAAATGCTGGATTATCTTAAGGACAAGAAGGAAGTTG[G>T]CTTCTTCCAGAGTATCCAGGCACTGATGCAAACATGCAGGTAGGTTCGAGTGGACCTCTT-3'
Protein context (NP_000531.2, residues 3816-3836): LDYLKDKKEV[Gly3826Val]FFQSIQALMQ